The following is an entry in ClinVar:

ClinVar aggregate classification (germline): Pathogenic/Likely pathogenic. Review status: criteria provided, multiple submitters, no conflicts (2 of 4 stars). 5 submissions from 5 submitters: Pathogenic (2); Likely pathogenic (3). Last evaluated 2024-12-12.

Conditions:
ATM-related disorder. Also called: ATM-related disorders; ATM-related condition.
Familial cancer of breast. Also called: Hereditary breast cancer; hereditary breast carcinoma; BREAST CANCER, FAMILIAL. Identifiers: Orphanet 227535, MedGen C0346153, MONDO:0016419, OMIM 114480. Disease mechanism: loss of function.
Ataxia-telangiectasia syndrome (AT). Also called: AT, COMPLEMENTATION GROUP C; Ataxia-telangiectasia, complementation group E; Ataxia telangiectasia (A-T); LOUIS-BAR SYNDROME; Ataxia-telangiectasia, complementation group D; Cerebello-oculocutaneous telangiectasia. Identifiers: Orphanet 100, MedGen C0004135, MONDO:0008840, OMIM 208900.
Hereditary cancer-predisposing syndrome. Also called: Hereditary Cancer Syndrome; Tumor predisposition; Hereditary neoplastic syndrome; Neoplastic Syndromes, Hereditary. Identifiers: Orphanet 140162, MedGen C0027672, MeSH D009386, MONDO:0015356.

Submissions (5):

Ambry Genetics
Classification: Pathogenic for Hereditary cancer-predisposing syndrome. Last evaluated: 2024-12-12. Review status: criteria provided, single submitter. Criteria: Ambry Variant Classification Scheme 2023. Collection method: clinical testing. Allele origin: germline.
Comment: The c.3279_3282delCAAT pathogenic mutation, located in coding exon 21 of the ATM gene, results from a deletion of 4 nucleotides at nucleotide positions 3279 to 3282, causing a translational frameshift with a predicted alternate stop codon (p.N1094Dfs*14). This variant is considered to be rare based on population cohorts in the Genome Aggregation Database (gnomAD). This alteration is expected to result in loss of function by premature protein truncation or nonsense-mediated mRNA decay. As such, this alteration is interpreted as a disease-causing mutation.

Labcorp Genetics (formerly Invitae), Labcorp
Classification: Pathogenic for Ataxia-telangiectasia syndrome. Last evaluated: 2024-08-04. Review status: criteria provided, single submitter. Criteria: Invitae Variant Classification Sherloc (09022015). Collection method: clinical testing. Allele origin: germline.
Comment: This sequence change creates a premature translational stop signal (p.Asn1094Aspfs*14) in the ATM gene. It is expected to result in an absent or disrupted protein product. Loss-of-function variants in ATM are known to be pathogenic (PMID: 23807571, 25614872). This variant is not present in population databases (gnomAD no frequency). This variant has not been reported in the literature in individuals affected with ATM-related conditions. ClinVar contains an entry for this variant (Variation ID: 246478). For these reasons, this variant has been classified as Pathogenic.

Fulgent Genetics
Classification: Likely pathogenic for Familial cancer of breast; Ataxia-telangiectasia syndrome. Last evaluated: 2024-01-12. Review status: criteria provided, single submitter. Criteria: ACMG Guidelines, 2015. Collection method: clinical testing. Allele origin: germline.

Blueprint Genetics
Classification: Likely pathogenic for ATM-related disorders. Last evaluated: 2019-01-24. Review status: criteria provided, single submitter. Criteria: ACMG Guidelines, 2015. Collection method: clinical testing. Allele origin: germline. Affected: yes. Observed: 1 variant allele.

GeneDx
Classification: Likely pathogenic. Last evaluated: 2016-03-14. Review status: criteria provided, single submitter. Criteria: GeneDx Variant Classification (06012015). Collection method: clinical testing. Allele origin: germline. Affected: yes.
Comment: This apparently mosaic deletion of 4 nucleotides in ATM is denoted c.3279_3282delCAAT at the cDNA level and p.Asn1094AspfsX14 (N1094DfsX14) at the protein level. The normal sequence, with the bases that are deleted in braces, is CAAT{CAAT}AGgt. The deletion causes a frameshift which changes an Asparagine to an Aspartic Acid at codon 1094, and creates a premature stop codon at position 14 of the new reading frame. Although this variant has not, to our knowledge, been reported in the literature, it is predicted to cause loss of normal protein function through either protein truncation or nonsense-mediated mRNA decay. Based on the currently available information, we consider this deletion to be a likely pathogenic variant.

Literature cited by the submitters: PubMed 23807571 (cited by Labcorp Genetics (formerly Invitae), Labcorp); PubMed 25614872 (cited by Labcorp Genetics (formerly Invitae), Labcorp).

NM_000051.4(ATM):c.3279_3282del (p.Asn1094fs)

Gene: ATM (ATM serine/threonine kinase; plus strand). Cytogenetic location: 11q22.3.
Variant type: Microsatellite.
Coding change: c.3279_3282del on transcript NM_000051.4 (MANE Select); coding-DNA positions 3279 to 3282, 4 bases deleted (CAAT; older notation c.3279_3282delCAAT).
Protein change: p.Asn1094fs; shifts the reading frame from asparagine 1094.
Molecular consequence: frameshift variant.
Genome position (GRCh38, 1-based): chr11:108,272,847-108,272,850, CAAT deleted; deleting any 4 consecutive bases within chr11:108,272,842-108,272,850 gives the same sequence; the c. name uses the placement nearest the transcript's 3' end. VCF-style (leftmost placement, unchanged base first): chr11-108272841-GTCAA-G. GRCh37 (hg19) VCF-style: chr11-108143568-GTCAA-G.
Other names: c.3279_3282del (NM_000051.3); c.3279_3282del, p.Asn1094fs (NM_001351834.2); c.3279_3282delCAAT (NM_000051.3); short protein forms N1094fs.
Identifiers: ClinVar variation 246478 (VCV000246478.14), dbSNP rs879254281, ClinGen allele CA10584335.